The following is an entry in ClinVar:

NM_000444.6(PHEX):c.914T>C (p.Leu305Pro)

Gene: PHEX (phosphate regulating endopeptidase X-linked; plus strand). Cytogenetic location: Xp22.11.
Variant type: single nucleotide variant.
Coding change: c.914T>C on transcript NM_000444.6 (MANE Select); coding-DNA position 914, T replaced by C.
Protein change: p.Leu305Pro; replaces leucine 305 with proline.
Molecular consequence: missense variant.
Genome position (GRCh38, 1-based): chrX:22,097,019, T>C. VCF-style: chrX-22097019-T-C. GRCh37 (hg19) VCF-style: chrX-22115137-T-C.
Other names: c.914T>C, p.Leu305Pro (NM_001282754.2); short protein forms L305P.
Identifiers: ClinVar variation 2737110 (VCV002737110.3), dbSNP rs1064796929, ClinGen allele CA412572675.

ClinVar aggregate classification (germline): Likely pathogenic (1 of 4 stars; one submission).

Submission:

Labcorp Genetics (formerly Invitae), Labcorp
Classification: Likely pathogenic. Last evaluated: 2024-01-22. Review status: criteria provided, single submitter. Criteria: Invitae Variant Classification Sherloc (09022015). Collection method: clinical testing. Allele origin: germline.
Comment: This sequence change replaces leucine, which is neutral and non-polar, with proline, which is neutral and non-polar, at codon 305 of the PHEX protein (p.Leu305Pro). This variant is not present in population databases (gnomAD no frequency). This missense change has been observed in individual(s) with hypophosphatemic rickets (PMID: 18775977). Advanced modeling of protein sequence and biophysical properties (such as structural, functional, and spatial information, amino acid conservation, physicochemical variation, residue mobility, and thermodynamic stability) performed at Invitae indicates that this missense variant is expected to disrupt PHEX protein function with a positive predictive value of 95%. In summary, the currently available evidence indicates that the variant is pathogenic, but additional data are needed to prove that conclusively. Therefore, this variant has been classified as Likely Pathogenic.

Literature cited by the submitters: PubMed 18775977.